The following is an entry in ClinVar:

ClinVar aggregate classification (germline): Uncertain significance (1 of 4 stars; one submission).

Allele frequency attached by ClinVar (database versions not stated): gnomAD exomes below 0.00001.

Submission:

Laboratory for Molecular Medicine, Mass General Brigham Personalized Medicine
Classification: Uncertain significance. Last evaluated: 2016-06-16. Review status: criteria provided, single submitter. Criteria: LMM Criteria. Collection method: clinical testing. Allele origin: germline.
Comment: Variant identified in a genome or exome case(s) and assessed due to predicted null impact of the variant or pathogenic assertions in the literature or databases. Disclaimer: This variant has not undergone full assessment. The following are preliminary notes: Fs in last exon.

NM_000020.3(ACVRL1):c.1478del (p.Ser493fs)

Gene: ACVRL1 (activin A receptor like type 1; plus strand). Cytogenetic location: 12q13.13.
Variant type: Deletion.
Coding change: c.1478del on transcript NM_000020.3 (MANE Select); coding-DNA position 1478, one base deleted (G; older notation c.1478delG).
Protein change: p.Ser493fs; shifts the reading frame from serine 493.
Molecular consequence: frameshift variant.
Genome position (GRCh38, 1-based): chr12:51,920,859, G deleted. VCF-style (leftmost placement, unchanged base first): chr12-51920858-AG-A. GRCh37 (hg19) VCF-style: chr12-52314642-AG-A.
Other names: c.1478del, p.Ser493fs (NM_001077401.2); c.1478delG (NM_000020.2); short protein forms S493fs.
Identifiers: ClinVar variation 402339 (VCV000402339.4), dbSNP rs1060499838, ClinGen allele CA16609765.